The following is an entry in ClinVar:

ClinVar aggregate classification (germline): Uncertain significance (1 of 4 stars; one submission).

Allele frequency attached by ClinVar (database versions not stated): gnomAD exomes 0.00002; gnomAD 0.00005.
gnomAD v4.1: 33 of 1,612,896 alleles (0.002%); highest among the groups gnomAD compares: Middle Eastern, 0.016%; no homozygotes.

Submission:

Labcorp Genetics (formerly Invitae), Labcorp
Classification: Uncertain significance. Last evaluated: 2024-11-27. Review status: criteria provided, single submitter. Criteria: Invitae Variant Classification Sherloc (09022015). Collection method: clinical testing. Allele origin: germline.
Comment: This sequence change replaces serine, which is neutral and polar, with leucine, which is neutral and non-polar, at codon 1554 of the KMT2E protein (p.Ser1554Leu). This variant is present in population databases (rs751993589, gnomAD 0.004%). This variant has not been reported in the literature in individuals affected with KMT2E-related conditions. ClinVar contains an entry for this variant (Variation ID: 2897182). An algorithm developed to predict the effect of missense changes on protein structure and function (PolyPhen-2) suggests that this variant is likely to be tolerated. In summary, the available evidence is currently insufficient to determine the role of this variant in disease. Therefore, it has been classified as a Variant of Uncertain Significance.

NM_182931.3(KMT2E):c.4661C>T (p.Ser1554Leu)

Gene: KMT2E (lysine methyltransferase 2E (inactive); plus strand). Cytogenetic location: 7q22.3.
Variant type: single nucleotide variant.
Coding change: c.4661C>T on transcript NM_182931.3 (MANE Select); coding-DNA position 4661, C replaced by T.
Protein change: p.Ser1554Leu; replaces serine 1554 with leucine.
Molecular consequence: missense variant.
Genome position (GRCh38, 1-based): chr7:105,112,417, C>T. VCF-style: chr7-105112417-C-T. GRCh37 (hg19) VCF-style: chr7-104752864-C-T.
Other names: c.4535C>T, p.Ser1512Leu (NM_001410908.1); c.4661C>T, p.Ser1554Leu (NM_018682.4); short protein forms S1512L, S1554L.
Identifiers: ClinVar variation 2897182 (VCV002897182.3), dbSNP rs751993589, ClinGen allele CA164024146.